The following is an entry in ClinVar:

ClinVar aggregate classification (germline): Pathogenic (1 of 4 stars; one submission).

Submission:

Labcorp Genetics (formerly Invitae), Labcorp
Classification: Pathogenic. Last evaluated: 2024-09-14. Review status: criteria provided, single submitter. Criteria: Invitae Variant Classification Sherloc (09022015). Collection method: clinical testing. Allele origin: germline.
Comment: This sequence change creates a premature translational stop signal (p.Arg116Glyfs*88) in the P3H2 gene. It is expected to result in an absent or disrupted protein product. Loss-of-function variants in P3H2 are known to be pathogenic (PMID: 24172257, 25469533). This variant is not present in population databases (gnomAD no frequency). This variant has not been reported in the literature in individuals affected with P3H2-related conditions. For these reasons, this variant has been classified as Pathogenic.

Literature cited by the submitters: PubMed 24172257; PubMed 25469533.

NM_018192.4(P3H2):c.345del (p.Arg116fs)

Genes: P3H2 (prolyl 3-hydroxylase 2; minus strand), LOC129938149 (ATAC-STARR-seq lymphoblastoid silent region 14999; plus strand). Cytogenetic location: 3q28.
Variant type: Deletion.
Coding change: c.345del on transcript NM_018192.4 (MANE Select); coding-DNA position 345, one base deleted (G; older notation c.345delG).
Protein change: p.Arg116fs; shifts the reading frame from arginine 116.
Molecular consequence: frameshift variant. On other transcripts: intron variant (1).
Genome position (GRCh38, 1-based): chr3:190,120,387, C deleted on the plus strand (G on the coding strand, the reverse complement: P3H2 is on the minus strand); the first of 4 consecutive C bases (chr3:190,120,387-190,120,390); deleting any one gives the same sequence. VCF-style (leftmost placement, unchanged base first): chr3-190120386-GC-G. GRCh37 (hg19) VCF-style: chr3-189838175-GC-G.
Other names: c.-64+1816del (NM_001134418.2); short protein forms R116fs.
Identifiers: ClinVar variation 3717195 (VCV003717195.2).